The following is an entry in ClinVar:

NM_152564.5(VPS13B):c.2900A>G (p.Gln967Arg)

Gene: VPS13B (vacuolar protein sorting 13 homolog B; plus strand). Cytogenetic location: 8q22.2.
Variant type: single nucleotide variant.
Coding change: c.2900A>G on transcript NM_152564.5 (MANE Select); coding-DNA position 2900, A replaced by G.
Protein change: p.Gln967Arg; replaces glutamine 967 with arginine.
Molecular consequence: missense variant.
Genome position (GRCh38, 1-based): chr8:99,384,283, A>G. VCF-style: chr8-99384283-A-G. GRCh37 (hg19) VCF-style: chr8-100396511-A-G.
Other names: c.2900A>G, p.Gln967Arg (NM_017890.5); short protein forms Q967R.
Identifiers: ClinVar variation 2154816 (VCV002154816.2), dbSNP rs981817797, ClinGen allele CA182952388.
Genomic context (GRCh38, chr8:99,384,283, plus strand): 5'-GCAGTATACAAGGACTAGCAGTTAATATTGACCCAATCTTATATACGTGGCTCATCTATC[A>G]GCCTCAGAAACGAACAAGTAGACATATGCAACAGGTAAGAGATTTTTAAATAATTTTTTC-3'
Protein context (NP_689777.3, residues 957-977): DPILYTWLIY[Gln967Arg]PQKRTSRHMQ

ClinVar aggregate classification (germline): Uncertain significance. Review status: criteria provided, multiple submitters, no conflicts (2 of 4 stars). 2 submissions from 2 submitters: Uncertain significance (2). Last evaluated 2025-12-30.

Conditions:
VPS13B-related disorder. Also called: VPS13B-related condition.
Cohen syndrome (COH1). Also called: PEPPER SYNDROME; Cutis verticis gyrata, retinitis pigmentosa, and sensorineural deafness. Identifiers: Orphanet 193, MedGen C0265223, MONDO:0008999, OMIM 216550.

Allele frequency attached by ClinVar (database versions not stated): gnomAD exomes below 0.00001; gnomAD 0.00001; TOPMed 0.00001.
gnomAD v4.1: 3 of 1,613,856 alleles (0.00019%); highest among the groups gnomAD compares: African/African-American, 0.0027%; no homozygotes.

Submissions (2):

PreventionGenetics, part of Exact Sciences
Classification: Uncertain significance for VPS13B-related condition. Last evaluated: 2025-12-30. Review status: criteria provided, single submitter. Criteria: ACMG Guidelines, 2015. Collection method: clinical testing. Allele origin: germline.
Comment: The VPS13B c.2900A>G variant is predicted to result in the amino acid substitution p.Gln967Arg. To our knowledge, this variant has not been reported in the literature or in a large population database (gnomad), indicating this variant is rare. At this time, the clinical significance of this variant is uncertain due to the absence of conclusive functional and genetic evidence.

Labcorp Genetics (formerly Invitae), Labcorp
Classification: Uncertain significance for Cohen syndrome. Last evaluated: 2022-05-12. Review status: criteria provided, single submitter. Criteria: Invitae Variant Classification Sherloc (09022015). Collection method: clinical testing. Allele origin: germline.
Comment: This sequence change replaces glutamine, which is neutral and polar, with arginine, which is basic and polar, at codon 967 of the VPS13B protein (p.Gln967Arg). This variant is not present in population databases (gnomAD no frequency). This variant has not been reported in the literature in individuals affected with VPS13B-related conditions. Algorithms developed to predict the effect of missense changes on protein structure and function are either unavailable or do not agree on the potential impact of this missense change (SIFT: "Not Available"; PolyPhen-2: "Possibly Damaging"; Align-GVGD: "Not Available"). In summary, the available evidence is currently insufficient to determine the role of this variant in disease. Therefore, it has been classified as a Variant of Uncertain Significance.